The following is an entry in ClinVar:

NM_006904.7(PRKDC):c.12357A>T (p.Arg4119Ser)

Gene: PRKDC (protein kinase, DNA-activated, catalytic subunit; minus strand). Cytogenetic location: 8q11.21.
Variant type: single nucleotide variant.
Coding change: c.12357A>T on transcript NM_006904.7 (MANE Select); coding-DNA position 12357, A replaced by T.
Protein change: p.Arg4119Ser; replaces arginine 4119 with serine.
Molecular consequence: missense variant.
Genome position (GRCh38, 1-based): chr8:47,774,203, T>A on the plus strand (A>T on the coding strand, the complement: PRKDC is on the minus strand). VCF-style: chr8-47774203-T-A. GRCh37 (hg19) VCF-style: chr8-48686764-T-A.
Other names: c.12264A>T, p.Arg4088Ser (NM_001081640.2); short protein forms R4119S, R4088S.
Identifiers: ClinVar variation 1756584 (VCV001756584.2), dbSNP rs2551859118, ClinGen allele CA371126501.

ClinVar aggregate classification (germline): Uncertain significance (1 of 4 stars; one submission).

Submission:

Ambry Genetics
Classification: Uncertain significance. Last evaluated: 2021-07-13. Review status: criteria provided, single submitter. Criteria: Ambry Variant Classification Scheme 2023. Collection method: clinical testing. Allele origin: germline.
Comment: The p.R4119S variant (also known as c.12357A>T), located in coding exon 86 of the PRKDC gene, results from an A to T substitution at nucleotide position 12357. The arginine at codon 4119 is replaced by serine, an amino acid with dissimilar properties. This amino acid position is conserved. In addition, this alteration is predicted to be tolerated by in silico analysis. Since supporting evidence is limited at this time, the clinical significance of this alteration remains unclear.